The following is an entry in ClinVar:

ClinVar aggregate classification (germline): Uncertain significance (1 of 4 stars; one submission).

Conditions:
Hereditary cancer-predisposing syndrome. Also called: Neoplastic Syndromes, Hereditary; Hereditary Cancer Syndrome; Hereditary neoplastic syndrome; Tumor predisposition. Identifiers: Orphanet 140162, MedGen C0027672, MeSH D009386, MONDO:0015356.

Allele frequency attached by ClinVar (database versions not stated): gnomAD exomes below 0.00001.
gnomAD v4.1: 1 of 1,614,256 alleles (0.000062%); highest among the groups gnomAD compares: Non-Finnish European, 0.000085%; no homozygotes.

Submission:

Ambry Genetics
Classification: Uncertain significance for Hereditary cancer-predisposing syndrome. Last evaluated: 2023-04-28. Review status: criteria provided, single submitter. Criteria: Ambry Variant Classification Scheme 2023. Collection method: clinical testing. Allele origin: germline.
Comment: The p.S827R variant (also known as c.2481T>A), located in coding exon 15 of the PTCH1 gene, results from a T to A substitution at nucleotide position 2481. The serine at codon 827 is replaced by arginine, an amino acid with dissimilar properties. This amino acid position is conserved. In addition, this alteration is predicted to be tolerated by in silico analysis. Since supporting evidence is limited at this time, the clinical significance of this alteration remains unclear.

NM_000264.5(PTCH1):c.2481T>A (p.Ser827Arg)

Genes: PTCH1 (patched 1; minus strand), LOC100507346 (uncharacterized LOC100507346; plus strand). Cytogenetic location: 9q22.32.
Variant type: single nucleotide variant.
Coding change: c.2481T>A on transcript NM_000264.5 (MANE Select); coding-DNA position 2481, T replaced by A.
Protein change: p.Ser827Arg; replaces serine 827 with arginine.
Molecular consequence: missense variant. On other transcripts: non-coding transcript variant (2).
Genome position (GRCh38, 1-based): chr9:95,467,195, A>T on the plus strand (T>A on the coding strand, the complement: PTCH1 is on the minus strand). VCF-style: chr9-95467195-A-T. GRCh37 (hg19) VCF-style: chr9-98229477-A-T.
Other names: c.2283T>A, p.Ser761Arg (NM_001083602.3); c.2478T>A, p.Ser826Arg (NM_001083603.3); c.2028T>A, p.Ser676Arg (NM_001083604.3, NM_001083605.3, NM_001083606.3 and 1 more transcripts); c.2325T>A, p.Ser775Arg (NM_001354918.2); short protein forms S826R, S775R, S761R, S827R, S676R.
Identifiers: ClinVar variation 2560642 (VCV002560642.2), dbSNP rs2117953676, ClinGen allele CA374113993.